The following is an entry in ClinVar:

ClinVar aggregate classification (germline): Likely pathogenic (1 of 4 stars; one submission).

Conditions:
Wiedemann-Steiner syndrome (WDSTS). Also called: Growth deficiency and mental retardation with facial dysmorphism. Identifiers: Orphanet 319182, MedGen C1854630, MONDO:0011518, OMIM 605130.

Submission:

Juno Genomics, Hangzhou Juno Genomics, Inc
Classification: Likely pathogenic for Wiedemann-Steiner syndrome. Review status: criteria provided, single submitter. Criteria: ACMG Guidelines, 2015. Collection method: clinical testing. Allele origin: germline. Affected: yes.
Comment: Null variant in a gene where loss of function (LOF) is a known mechanism of disease.;Absent from controls (or at extremely low frequency if recessive) in Genome Aggregation Database, Exome Sequencing Project, 1000 Genomes Project, or Exome Aggregation Consortium.

NM_001197104.2(KMT2A):c.8233A>T (p.Lys2745Ter)

Gene: KMT2A (lysine methyltransferase 2A; plus strand). Cytogenetic location: 11q23.3.
Variant type: single nucleotide variant.
Coding change: c.8233A>T on transcript NM_001197104.2 (MANE Select); coding-DNA position 8233, A replaced by T.
Protein change: p.Lys2745Ter; replaces lysine 2745 with a stop codon.
Molecular consequence: nonsense.
Genome position (GRCh38, 1-based): chr11:118,504,125, A>T. VCF-style: chr11-118504125-A-T. GRCh37 (hg19) VCF-style: chr11-118374840-A-T.
Other names: c.8323A>T, p.Lys2775Ter (NM_001412597.1); c.8224A>T, p.Lys2742Ter (NM_005933.4); short protein forms K2742*, K2745*, K2775*.
Identifiers: ClinVar variation 3383050 (VCV003383050.2).
Genomic context (GRCh38, chr11:118,504,125, plus strand): 5'-GATGGGACAGAGAGTGATACTAGTGTCACAGCCACAACAAGGAAAAGCAGCCAGATTCCA[A>T]AAAGAAATGGTAAAGAAAATGGAACAGAGAACTTAAAGATTGATAGACCTGAAGATGCTG-3'